The following is an entry in ClinVar:

ClinVar aggregate classification (germline): Uncertain significance. Review status: criteria provided, multiple submitters, no conflicts (2 of 4 stars). 2 submissions from 2 submitters: Uncertain significance (2). Last evaluated 2025-11-15.

Conditions:
Colorectal cancer, hereditary nonpolyposis, type 7. Identifiers: Orphanet 144, MedGen C1858380, MONDO:0013725, OMIM 614385.

Allele frequency attached by ClinVar (database versions not stated): TOPMed 0.00002; gnomAD 0.00001; gnomAD exomes 0.00002.
gnomAD v4.1: 36 of 1,614,082 alleles (0.0022%); highest among the groups gnomAD compares: Non-Finnish European, 0.0031%; no homozygotes.

Submissions (2):

Ambry Genetics
Classification: Uncertain significance. Last evaluated: 2025-11-15. Review status: criteria provided, single submitter. Criteria: Ambry Variant Classification Scheme 2023. Collection method: clinical testing. Allele origin: germline.
Comment: The p.V1058G variant (also known as c.3173T>G), located in coding exon 1 of the MLH3 gene, results from a T to G substitution at nucleotide position 3173. The valine at codon 1058 is replaced by glycine, an amino acid with dissimilar properties. This amino acid position is poorly conserved in available vertebrate species. In addition, this alteration is predicted to be deleterious by in silico analysis. This variant is considered to be rare based on population cohorts in the Genome Aggregation Database (gnomAD). Since supporting evidence is limited at this time, the clinical significance of this alteration remains unclear.

Labcorp Genetics (formerly Invitae), Labcorp
Classification: Uncertain significance for Colorectal cancer, hereditary nonpolyposis, type 7. Last evaluated: 2022-04-25. Review status: criteria provided, single submitter. Criteria: Invitae Variant Classification Sherloc (09022015). Collection method: clinical testing. Allele origin: germline.
Comment: This sequence change replaces valine, which is neutral and non-polar, with glycine, which is neutral and non-polar, at codon 1058 of the MLH3 protein (p.Val1058Gly). This variant is not present in population databases (gnomAD no frequency). This variant has not been reported in the literature in individuals affected with MLH3-related conditions. Algorithms developed to predict the effect of missense changes on protein structure and function are either unavailable or do not agree on the potential impact of this missense change (SIFT: "Deleterious"; PolyPhen-2: "Possibly Damaging"; Align-GVGD: "Class C0"). In summary, the available evidence is currently insufficient to determine the role of this variant in disease. Therefore, it has been classified as a Variant of Uncertain Significance.

NM_001040108.2(MLH3):c.3173T>G (p.Val1058Gly)

Gene: MLH3 (mutL homolog 3; minus strand). Cytogenetic location: 14q24.3.
Variant type: single nucleotide variant.
Coding change: c.3173T>G on transcript NM_001040108.2 (MANE Select); coding-DNA position 3173, T replaced by G.
Protein change: p.Val1058Gly; replaces valine 1058 with glycine.
Molecular consequence: missense variant.
Genome position (GRCh38, 1-based): chr14:75,046,483, A>C on the plus strand (T>G on the coding strand, the complement: MLH3 is on the minus strand). VCF-style: chr14-75046483-A-C. GRCh37 (hg19) VCF-style: chr14-75513186-A-C.
Other names: c.3173T>G, p.Val1058Gly (NM_014381.3); short protein forms V1058G.
Identifiers: ClinVar variation 2049842 (VCV002049842.7), dbSNP rs1047794293, ClinGen allele CA263647749.
Genomic context (GRCh38, chr14:75,046,483, plus strand): 5'-CAAGCAGCCTGAATGTCCTCAGTTGGGGCAATGAATGTGCTGAGTCCAGTCATTTTGTTG[A>C]CATAAACCATTCTTCCCAGGGCTACATCGAAATGCCGCTGCCAATCTGAACAACACGTGT-3'
Protein context (NP_001035197.1, residues 1048-1068): FDVALGRMVY[Val1058Gly]NKMTGLSTFI